The following is an entry in ClinVar:

ClinVar aggregate classification (germline): Uncertain significance (1 of 4 stars; one submission).

Submission:

CeGaT Center for Human Genetics Tuebingen
Classification: Uncertain significance. Last evaluated: 2026-05-01. Review status: criteria provided, single submitter. Criteria: CeGaT Center For Human Genetics Tuebingen Variant Classification Criteria Version 2. Collection method: clinical testing. Allele origin: germline. Affected: yes. Observed: 1 variant allele.
Comment: PLXNA1: PM2

NM_032242.4(PLXNA1):c.865G>A (p.Asp289Asn)

Gene: PLXNA1 (plexin A1; plus strand). Cytogenetic location: 3q21.3.
Variant type: single nucleotide variant.
Coding change: c.865G>A on transcript NM_032242.4 (MANE Select); coding-DNA position 865, G replaced by A.
Protein change: p.Asp289Asn; replaces aspartic acid 289 with asparagine.
Molecular consequence: missense variant.
Genome position (GRCh38, 1-based): chr3:126,989,458, G>A. VCF-style: chr3-126989458-G-A. GRCh37 (hg19) VCF-style: chr3-126708301-G-A.
Other names: short protein forms D289N.
Identifiers: ClinVar variation 4875003 (VCV004875003.2).
Genomic context (GRCh38, chr3:126,989,458, plus strand): 5'-TCGCCTGATGCCGCCGGCGAGCACTTCTTCACGTCCAAGATCGTGCGGCTCTGTGTGGAC[G>A]ACCCCAAATTCTACTCGTACGTTGAGTTCCCCATTGGCTGCGAGCAGGCGGGTGTGGAGT-3'
Protein context (NP_115618.3, residues 279-299): TSKIVRLCVD[Asp289Asn]PKFYSYVEFP